The following is an entry in ClinVar:

NM_001197104.2(KMT2A):c.1035G>C (p.Lys345Asn)

Gene: KMT2A (lysine methyltransferase 2A; plus strand). Cytogenetic location: 11q23.3.
Variant type: single nucleotide variant.
Coding change: c.1035G>C on transcript NM_001197104.2 (MANE Select); coding-DNA position 1035, G replaced by C.
Protein change: p.Lys345Asn; replaces lysine 345 with asparagine.
Molecular consequence: missense variant.
Genome position (GRCh38, 1-based): chr11:118,472,194, G>C. VCF-style: chr11-118472194-G-C. GRCh37 (hg19) VCF-style: chr11-118342909-G-C.
Other names: c.1035G>C, p.Lys345Asn (NM_005933.4); short protein forms K345N.
Identifiers: ClinVar variation 1462287 (VCV001462287.8), dbSNP rs2134259745, ClinGen allele CA382808937.

ClinVar aggregate classification (germline): Uncertain significance (1 of 4 stars; one submission).

Submission:

Labcorp Genetics (formerly Invitae), Labcorp
Classification: Uncertain significance. Last evaluated: 2022-08-09. Review status: criteria provided, single submitter. Criteria: Invitae Variant Classification Sherloc (09022015). Collection method: clinical testing. Allele origin: germline.
Comment: This variant has not been reported in the literature in individuals affected with KMT2A-related conditions. ClinVar contains an entry for this variant (Variation ID: 1462287). Algorithms developed to predict the effect of missense changes on protein structure and function (SIFT, PolyPhen-2, Align-GVGD) all suggest that this variant is likely to be tolerated. In summary, the available evidence is currently insufficient to determine the role of this variant in disease. Therefore, it has been classified as a Variant of Uncertain Significance. This sequence change replaces lysine, which is basic and polar, with asparagine, which is neutral and polar, at codon 345 of the KMT2A protein (p.Lys345Asn). This variant is not present in population databases (gnomAD no frequency).